The following is an entry in ClinVar:

ClinVar aggregate classification (germline): Uncertain significance (1 of 4 stars; one submission).

Allele frequency attached by ClinVar (database versions not stated): gnomAD exomes 0.00008; ExAC 0.00023; 1000 Genomes Project 0.00040; gnomAD 0.00040; ESP Exome Variant Server 0.00046; 1000 Genomes Project 30x 0.00047; TOPMed 0.00055.
gnomAD v4.1: 171 of 1,613,954 alleles (0.011%); highest among the groups gnomAD compares: African/African-American, 0.14%; no homozygotes.

Submission:

Labcorp Genetics (formerly Invitae), Labcorp
Classification: Uncertain significance. Last evaluated: 2022-06-29. Review status: criteria provided, single submitter. Criteria: Invitae Variant Classification Sherloc (09022015). Collection method: clinical testing. Allele origin: germline.
Comment: This sequence change replaces arginine, which is basic and polar, with glutamine, which is neutral and polar, at codon 1231 of the STIL protein (p.Arg1231Gln). This variant is present in population databases (rs148592489, gnomAD 0.2%). This variant has not been reported in the literature in individuals affected with STIL-related conditions. Algorithms developed to predict the effect of missense changes on protein structure and function are either unavailable or do not agree on the potential impact of this missense change (SIFT: "Tolerated"; PolyPhen-2: "Probably Damaging"; Align-GVGD: "Class C0"). In summary, the available evidence is currently insufficient to determine the role of this variant in disease. Therefore, it has been classified as a Variant of Uncertain Significance.

NM_001048166.1(STIL):c.3695G>A (p.Arg1232Gln)

Gene: STIL (STIL centriolar assembly protein; minus strand). Cytogenetic location: 1p33.
Variant type: single nucleotide variant.
Coding change: c.3695G>A on transcript NM_001048166.1 (MANE Select); coding-DNA position 3695, G replaced by A.
Protein change: p.Arg1232Gln; replaces arginine 1232 with glutamine.
Molecular consequence: missense variant.
Genome position (GRCh38, 1-based): chr1:47,251,308, C>T on the plus strand (G>A on the coding strand, the complement: STIL is on the minus strand). VCF-style: chr1-47251308-C-T. GRCh37 (hg19) VCF-style: chr1-47716980-C-T.
Other names: c.3692G>A, p.Arg1231Gln (NM_001282936.1, NM_003035.2); c.3641G>A, p.Arg1214Gln (NM_001282937.1); c.3554G>A, p.Arg1185Gln (NM_001282938.1, NM_001377417.1); c.3500G>A, p.Arg1167Gln (NM_001282939.1); short protein forms R1231Q, R1232Q, R1167Q, R1214Q, R1185Q.
Identifiers: ClinVar variation 2145596 (VCV002145596.1), dbSNP rs148592489, ClinGen allele CA841932.
Genomic context (GRCh38, chr1:47,251,308, plus strand): 5'-ATTGTAATGTCCCCTTCATTTTCTTTCTCAGGATGTTGAGTGAACTCTGCTTTCCCGGTT[C>T]GAAGGTTCACTGCAGGACTTGGTTTAAGGTTCTTTACTAAGAAAGCTGGCTTTTCAGTCA-3'
Protein context (NP_001041631.1, residues 1222-1242): NLKPSPAVNL[Arg1232Gln]TGKAEFTQHP